The following is an entry in ClinVar:

NC_000017.11:g.(?_17213655)_(17237188_?)dup

Gene: FLCN (folliculin; minus strand). Cytogenetic location: 17p11.2.
Variant type: Duplication.
Identifiers: ClinVar variation 831590 (VCV000831590.1).

ClinVar aggregate classification (germline): Uncertain significance (1 of 4 stars; one submission).

Conditions:
Birt-Hogg-Dube syndrome. Also called: Birt Hogg Dubé syndrome. Identifiers: Orphanet 122, MedGen C0346010, MONDO:0800444.

Submission:

Labcorp Genetics (formerly Invitae), Labcorp
Classification: Uncertain significance for Multiple fibrofolliculomas. Last evaluated: 2019-12-31. Review status: criteria provided, single submitter. Criteria: Invitae Variant Classification Sherloc (09022015). Collection method: clinical testing. Allele origin: germline.
Comment: A gross duplication of the genomic region encompassing the full coding sequence of the FLCN gene has been identified. The boundaries of this event are unknown as the duplication extends beyond the assayed region for this gene and therefore may encompass additional genes. As the precise location of this duplication is unknown, it may be in tandem or it may be located elsewhere in the genome. This copy number variant has not been reported in the literature in individuals with FLCN-related disease. Experimental studies are not available for this duplciation, and the functional significance of an extra copy of the FLCN gene is currently unknown. In summary, the available evidence is currently insufficient to determine the role of this variant in disease. Therefore, it has been classified as a Variant of Uncertain Significance.